The following is an entry in ClinVar:

ClinVar aggregate classification (germline): Uncertain significance (1 of 4 stars; one submission).

gnomAD v4.1: 1 of 1,610,604 alleles (0.000062%); highest among the groups gnomAD compares: Non-Finnish European, 0.000085%; no homozygotes.

Submission:

GeneDx
Classification: Uncertain significance. Last evaluated: 2024-01-05. Review status: criteria provided, single submitter. Criteria: GeneDx Variant Classification Process June 2021. Collection method: clinical testing. Allele origin: germline. Affected: yes.
Comment: Not observed at significant frequency in large population cohorts (gnomAD); In silico analysis supports a deleterious effect on splicing; Has not been previously published as pathogenic or benign to our knowledge

NM_001845.6(COL4A1):c.1286-12A>G

Genes: COL4A1 (collagen type IV alpha 1 chain; minus strand), LOC126861856 (BRD4-independent group 4 enhancer GRCh37_chr13:110846747-110847946; plus strand). Cytogenetic location: 13q34.
Variant type: single nucleotide variant.
Coding change: c.1286-12A>G on transcript NM_001845.6 (MANE Select); 12 bases into the intron before coding-DNA position 1286, A replaced by G.
Molecular consequence: intron variant.
Genome position (GRCh38, 1-based): chr13:110,195,130, T>C on the plus strand (A>G on the coding strand, the complement: COL4A1 is on the minus strand). VCF-style: chr13-110195130-T-C. GRCh37 (hg19) VCF-style: chr13-110847477-T-C.
Other names: c.1286-12A>G (NM_001303110.2).
Identifiers: ClinVar variation 3367506 (VCV003367506.1).
Genomic context (GRCh38, chr13:110,195,130, plus strand): 5'-GGAGGACCCTGGTCACCTGGAGGTCCGGGCTGACATTCCACAATTCCATCTGAAATTGAG[T>C]TGTCAGAGTTATAGGATCATAGCTAGGTGTTTTTACCCTCTCCTAACTCAACCTCTATTA-3'